The following is an entry in ClinVar:

NM_201253.3(CRB1):c.1183G>T (p.Glu395Ter)

Gene: CRB1 (crumbs cell polarity complex component 1; plus strand). Cytogenetic location: 1q31.3.
Variant type: single nucleotide variant.
Coding change: c.1183G>T on transcript NM_201253.3 (MANE Select); coding-DNA position 1183, G replaced by T.
Protein change: p.Glu395Ter; replaces glutamic acid 395 with a stop codon.
Molecular consequence: nonsense. On other transcripts: non-coding transcript variant (2).
Genome position (GRCh38, 1-based): chr1:197,421,011, G>T. VCF-style: chr1-197421011-G-T. GRCh37 (hg19) VCF-style: chr1-197390141-G-T.
Other names: c.847G>T, p.Glu283Ter (NM_001193640.2); c.976G>T, p.Glu326Ter (NM_001257965.2); c.1183G>T, p.Glu395Ter (NM_001257966.2); short protein forms E395*, E283*, E326*.
Identifiers: ClinVar variation 438069 (VCV000438069.18), dbSNP rs369775002, ClinGen allele CA35893184.

ClinVar aggregate classification (germline): Pathogenic. Review status: criteria provided, multiple submitters, no conflicts (2 of 4 stars). 6 submissions from 6 submitters: Pathogenic (5). 1 of the submissions does not count toward it. Last evaluated 2025-09-02.

Conditions:
CRB1-related disorder. Also called: CRB1-related disorders; CRB1-related condition.
Retinitis pigmentosa 12 (RP12). Also called: RP WITH OR WITHOUT PRESERVED PARAARTERIOLE RETINAL PIGMENT EPITHELIUM; RETINITIS PIGMENTOSA WITH OR WITHOUT PARAARTERIOLAR PRESERVATION OF RETINAL PIGMENT EPITHELIUM; RP WITH OR WITHOUT PPRPE. Identifiers: Orphanet 791, MedGen C1838647, MONDO:0010818, OMIM 600105.
Leber congenital amaurosis 8 (LCA8). Identifiers: Orphanet 65, MedGen C3151202, MONDO:0013453, OMIM 613835.
Leber congenital amaurosis (LCA). Also called: Leber's amaurosis. Identifiers: Orphanet 65, MedGen C0339527, MeSH D057130, MONDO:0018998.

Allele frequency attached by ClinVar (database versions not stated): TOPMed 0.00005; ESP Exome Variant Server 0.00008; 1000 Genomes Project 30x 0.00016.

Submissions (6):

PreventionGenetics, part of Exact Sciences
Classification: Pathogenic for CRB1-related condition. Last evaluated: 2025-09-02. Review status: criteria provided, single submitter. Criteria: ACMG Guidelines, 2015. Collection method: clinical testing. Allele origin: germline.
Comment: The CRB1 c.1183G>T variant is predicted to result in premature protein termination (p.Glu395*). This variant has been reported in individuals with Leber congenital amaurosis (Carss et al. 2017. PubMed ID: 28041643; Table S1, Sheck et al. 2021. PubMed ID: 33749171; Table S1, Lin et al. 2024. PubMed ID: 38219857). This variant is present in 0.023% of alleles in individuals of African descent in gnomAD. Nonsense variants in CRB1 are an established mechanism of disease. This variant is interpreted as pathogenic.

Natera, Inc.
Classification: Pathogenic for Leber congenital amaurosis. Last evaluated: 2025-05-18. Review status: criteria provided, single submitter. Criteria: Natera Variant Classification Schema (03/2026). Collection method: clinical testing. Allele origin: germline.
Comment: The c.1183G>T variant in CRB1 is a nonsense variant predicted to introduce a stop codon at amino acid 395. This variant is expected to result in nonsense mediated decay, truncation, or a dysfunctional protein product. This variant is rare in the general population with a frequency below the threshold expected for the associated phenotype(s). This variant has been observed in one or more individuals affected with the associated recessive disease, as either homozygous or compound heterozygous with a second variant (PMID: 33749171). Given the available evidence, this variant is classified as Pathogenic.

Labcorp Genetics (formerly Invitae), Labcorp
Classification: Pathogenic for Leber congenital amaurosis 8; Retinitis pigmentosa 12. Last evaluated: 2024-11-18. Review status: criteria provided, single submitter. Criteria: Invitae Variant Classification Sherloc (09022015). Collection method: clinical testing. Allele origin: germline.
Comment: This sequence change creates a premature translational stop signal (p.Glu395*) in the CRB1 gene. It is expected to result in an absent or disrupted protein product. Loss-of-function variants in CRB1 are known to be pathogenic (PMID: 10508521, 22065545, 23379534, 25412400, 26957898, 28041643, 29391521). This variant is present in population databases (rs369775002, gnomAD 0.02%). This premature translational stop signal has been observed in individual(s) with Leber congenital amaurosis (PMID: 28041643). ClinVar contains an entry for this variant (Variation ID: 438069). For these reasons, this variant has been classified as Pathogenic.

Baylor Genetics
Classification: Pathogenic for Leber congenital amaurosis 8. Last evaluated: 2024-03-12. Review status: criteria provided, single submitter. Criteria: ACMG Guidelines, 2015. Collection method: clinical testing. Allele origin: unknown.

Blueprint Genetics
Classification: Pathogenic for CRB1-related disorders. Last evaluated: 2022-01-31. Review status: criteria provided, single submitter. Criteria: ACMG Guidelines, 2015. Collection method: clinical testing. Allele origin: germline. Affected: yes. Observed: 5 variant alleles.

NIHR Bioresource Rare Diseases, University of Cambridge
Classification: Likely pathogenic for Leber congenital amaurosis. Last evaluated: 2015-01-01. Review status: no assertion criteria provided. Collection method: research. Allele origin: unknown. Affected: yes. Observed: 1 variant allele. Not counted in ClinVar's aggregate classification.

Literature cited by the submitters: PubMed 33749171 (cited by Natera, Inc.); PubMed 10508521 (cited by Labcorp Genetics (formerly Invitae), Labcorp); PubMed 22065545 (cited by Labcorp Genetics (formerly Invitae), Labcorp); PubMed 23379534 (cited by Labcorp Genetics (formerly Invitae), Labcorp); PubMed 25412400 (cited by Labcorp Genetics (formerly Invitae), Labcorp); PubMed 26957898 (cited by Labcorp Genetics (formerly Invitae), Labcorp); PubMed 28041643 (cited by Labcorp Genetics (formerly Invitae), Labcorp and NIHR Bioresource Rare Diseases, University of Cambridge); PubMed 29391521 (cited by Labcorp Genetics (formerly Invitae), Labcorp).